The following is an entry in ClinVar:

NM_001374828.1(ARID1B):c.3308A>G (p.Lys1103Arg)

Gene: ARID1B (AT-rich interaction domain 1B; plus strand). Cytogenetic location: 6q25.3.
Variant type: single nucleotide variant.
Coding change: c.3308A>G on transcript NM_001374828.1 (MANE Select); coding-DNA position 3308, A replaced by G.
Protein change: p.Lys1103Arg; replaces lysine 1103 with arginine.
Molecular consequence: missense variant.
Genome position (GRCh38, 1-based): chr6:157,174,080, A>G. VCF-style: chr6-157174080-A-G. GRCh37 (hg19) VCF-style: chr6-157495214-A-G.
Other names: c.3059A>G, p.Lys1020Arg (NM_001346813.1); c.809A>G, p.Lys270Arg (NM_001363725.2); c.3347A>G, p.Lys1116Arg (NM_001371656.1, NM_001374820.1); c.3308A>G, p.Lys1103Arg (NM_017519.3); c.3098A>G, p.Lys1033Arg (NM_020732.3); c.2885A>G, p.Lys962Arg (NM_175863.2); short protein forms K1020R, K1033R, K1103R, K1116R, K270R, K962R.
Identifiers: ClinVar variation 2502666 (VCV002502666.5), dbSNP rs2538251595, ClinGen allele CA366224514.
Genomic context (GRCh38, chr6:157,174,080, plus strand): 5'-TTGCAGATATGATGTCTCCTGGTGAATCCAAACTGCCCCTGCCTCTCAAAGCAGACGGCA[A>G]AGAAGAAGGCACTCCACAGCCCGAGAGCAAGTCAAAGGTACTTCCTTCGCCTCTGCACGC-3'
Protein context (NP_001361757.1, residues 1093-1113): KLPLPLKADG[Lys1103Arg]EEGTPQPESK

ClinVar aggregate classification (germline): Uncertain significance. Review status: criteria provided, multiple submitters, no conflicts (2 of 4 stars). 2 submissions from 2 submitters: Uncertain significance (2). Last evaluated 2023-02-07.

Conditions:
Coffin-Siris syndrome 1 (CSS1). Also called: Mental retardation, autosomal dominant 12; ARID1B-Related Coffin-Siris Syndrome. Identifiers: Orphanet 1465, MedGen C3281201, MONDO:0007617, OMIM 135900. Disease mechanism: gain of function.

Allele frequency attached by ClinVar (database versions not stated): gnomAD exomes below 0.00001.
gnomAD v4.1: 1 of 1,614,198 alleles (0.000062%); highest among the groups gnomAD compares: Non-Finnish European, 0.000085%; no homozygotes.

Submissions (2):

Institute of Human Genetics, University of Leipzig Medical Center
Classification: Uncertain significance for Coffin-Siris syndrome 1. Last evaluated: 2023-02-07. Review status: criteria provided, single submitter. Criteria: ACMG Guidelines, 2015. Collection method: clinical testing. Allele origin: unknown. Inheritance: Autosomal dominant inheritance. Affected: yes.

GeneDx
Classification: Uncertain significance. Last evaluated: 2022-11-16. Review status: criteria provided, single submitter. Criteria: GeneDx Variant Classification Process June 2021. Collection method: clinical testing. Allele origin: germline. Affected: yes.
Comment: Not observed at significant frequency in large population cohorts (gnomAD); In silico analysis supports that this missense variant does not alter protein structure/function; Has not been previously published as pathogenic or benign to our knowledge